The following is an entry in ClinVar:

NM_001042492.3(NF1):c.7696C>G (p.Pro2566Ala)

Gene: NF1 (neurofibromin 1; plus strand). Cytogenetic location: 17q11.2.
Variant type: single nucleotide variant.
Coding change: c.7696C>G on transcript NM_001042492.3 (MANE Select); coding-DNA position 7696, C replaced by G.
Protein change: p.Pro2566Ala; replaces proline 2566 with alanine.
Molecular consequence: missense variant.
Genome position (GRCh38, 1-based): chr17:31,356,540, C>G. VCF-style: chr17-31356540-C-G. GRCh37 (hg19) VCF-style: chr17-29683558-C-G.
Other names: c.7633C>G, p.Pro2545Ala (NM_000267.4); short protein forms P2545A, P2566A.
Identifiers: ClinVar variation 1525374 (VCV001525374.8), dbSNP rs2151581259, ClinGen allele CA399018150.

ClinVar aggregate classification (germline): Uncertain significance (1 of 4 stars; one submission).

Conditions:
Neurofibromatosis, type 1 (NF1). Also called: VON RECKLINGHAUSEN DISEASE; Neurofibromatosis, type I; Peripheral type neurofibromatosis; NEUROFIBROMATOSIS, TYPE I, SOMATIC. Identifiers: Orphanet 636, MedGen C0027831, MONDO:0018975, OMIM 162200. Disease mechanism: loss of function.

Submission:

Labcorp Genetics (formerly Invitae), Labcorp
Classification: Uncertain significance for Neurofibromatosis, type 1. Last evaluated: 2024-05-29. Review status: criteria provided, single submitter. Criteria: Invitae Variant Classification Sherloc (09022015). Collection method: clinical testing. Allele origin: germline.
Comment: This sequence change replaces proline, which is neutral and non-polar, with alanine, which is neutral and non-polar, at codon 2545 of the NF1 protein (p.Pro2545Ala). This variant is not present in population databases (gnomAD no frequency). This variant has not been reported in the literature in individuals affected with NF1-related conditions. ClinVar contains an entry for this variant (Variation ID: 1525374). Advanced modeling of protein sequence and biophysical properties (such as structural, functional, and spatial information, amino acid conservation, physicochemical variation, residue mobility, and thermodynamic stability) has been performed at Invitae for this missense variant, however the output from this modeling did not meet the statistical confidence thresholds required to predict the impact of this variant on NF1 protein function. In summary, the available evidence is currently insufficient to determine the role of this variant in disease. Therefore, it has been classified as a Variant of Uncertain Significance.